The following is an entry in ClinVar:

NM_017436.7(A4GALT):c.205C>T (p.Pro69Ser)

Gene: A4GALT (alpha 1,4-galactosyltransferase (P1PK blood group); minus strand). Cytogenetic location: 22q13.2.
Variant type: single nucleotide variant.
Coding change: c.205C>T on transcript NM_017436.7 (MANE Select); coding-DNA position 205, C replaced by T.
Protein change: p.Pro69Ser; replaces proline 69 with serine.
Molecular consequence: missense variant.
Genome position (GRCh38, 1-based): chr22:42,693,747, G>A on the plus strand (C>T on the coding strand, the complement: A4GALT is on the minus strand). VCF-style: chr22-42693747-G-A. GRCh37 (hg19) VCF-style: chr22-43089753-G-A.
Other names: c.205C>T, p.Pro69Ser (NM_001318038.3); short protein forms P69S.
Identifiers: ClinVar variation 2141685 (VCV002141685.4), dbSNP rs144889067, ClinGen allele CA10270362.

ClinVar aggregate classification (germline): Uncertain significance (1 of 4 stars; one submission).

Allele frequency attached by ClinVar (database versions not stated): ESP Exome Variant Server 0.00008; 1000 Genomes Project 30x 0.00016; 1000 Genomes Project 0.00020.

Submission:

Labcorp Genetics (formerly Invitae), Labcorp
Classification: Uncertain significance. Last evaluated: 2024-04-17. Review status: criteria provided, single submitter. Criteria: Invitae Variant Classification Sherloc (09022015). Collection method: clinical testing. Allele origin: germline.
Comment: This sequence change replaces proline, which is neutral and non-polar, with serine, which is neutral and polar, at codon 69 of the A4GALT protein (p.Pro69Ser). This variant is present in population databases (rs144889067, gnomAD 0.03%). This variant has not been reported in the literature in individuals affected with A4GALT-related conditions. ClinVar contains an entry for this variant (Variation ID: 2141685). An algorithm developed to predict the effect of missense changes on protein structure and function (PolyPhen-2) suggests that this variant is likely to be tolerated. In summary, the available evidence is currently insufficient to determine the role of this variant in disease. Therefore, it has been classified as a Variant of Uncertain Significance.